The following is an entry in ClinVar:

NM_032436.4(CHAMP1):c.2060A>T (p.Glu687Val)

Gene: CHAMP1 (chromosome alignment maintaining phosphoprotein 1; plus strand). Cytogenetic location: 13q34.
Variant type: single nucleotide variant.
Coding change: c.2060A>T on transcript NM_032436.4 (MANE Select); coding-DNA position 2060, A replaced by T.
Protein change: p.Glu687Val; replaces glutamic acid 687 with valine.
Molecular consequence: missense variant.
Genome position (GRCh38, 1-based): chr13:114,325,902, A>T. VCF-style: chr13-114325902-A-T. GRCh37 (hg19) VCF-style: chr13-115091377-A-T.
Other names: c.2060A>T, p.Glu687Val (NM_001164144.3, NM_001164145.3); short protein forms E687V.
Identifiers: ClinVar variation 2429504 (VCV002429504.1), dbSNP rs2503204726, ClinGen allele CA388850297.
Genomic context (GRCh38, chr13:114,325,902, plus strand): 5'-AAGAGAACAAAATGGACATGACTAGTCCAGAGCAGTCTAGAAATGTGCTACAGTTTACTG[A>T]AGAAAAAGAAGCTTTTATCTCTGAAGAGGAGATTGCAAAATACATGAAGCGTGGAAAAGG-3'
Protein context (NP_115812.1, residues 677-697): EQSRNVLQFT[Glu687Val]EKEAFISEEE

ClinVar aggregate classification (germline): Uncertain significance (1 of 4 stars; one submission).

Submission:

GeneDx
Classification: Uncertain significance. Last evaluated: 2022-08-08. Review status: criteria provided, single submitter. Criteria: GeneDx Variant Classification Process June 2021. Collection method: clinical testing. Allele origin: germline. Affected: yes.
Comment: Not observed at significant frequency in large population cohorts (gnomAD); In silico analysis supports that this missense variant does not alter protein structure/function; Has not been previously published as pathogenic or benign to our knowledge